The following is an entry in ClinVar:

ClinVar aggregate classification (germline): Uncertain significance (1 of 4 stars; one submission).

Submission:

GeneDx
Classification: Uncertain significance. Last evaluated: 2023-07-17. Review status: criteria provided, single submitter. Criteria: GeneDx Variant Classification Process June 2021. Collection method: clinical testing. Allele origin: germline. Affected: yes.
Comment: Not observed at significant frequency in large population cohorts (gnomAD); In silico analysis supports that this missense variant has a deleterious effect on protein structure/function; Has not been previously published as pathogenic or benign to our knowledge

NM_021098.3(CACNA1H):c.4448G>C (p.Arg1483Pro)

Gene: CACNA1H (calcium voltage-gated channel subunit alpha1 H; plus strand). Cytogenetic location: 16p13.3.
Variant type: single nucleotide variant.
Coding change: c.4448G>C on transcript NM_021098.3 (MANE Select); coding-DNA position 4448, G replaced by C.
Protein change: p.Arg1483Pro; replaces arginine 1483 with proline.
Molecular consequence: missense variant.
Genome position (GRCh38, 1-based): chr16:1,211,578, G>C. VCF-style: chr16-1211578-G-C. GRCh37 (hg19) VCF-style: chr16-1261578-G-C.
Other names: c.4448G>C, p.Arg1483Pro (NM_001005407.2); short protein forms R1483P.
Identifiers: ClinVar variation 3361217 (VCV003361217.1).
Genomic context (GRCh38, chr16:1,211,578, plus strand): 5'-ACACCAGGAACATCTCCACCAAGGCACAGTGCCGGGCCGCCCACTACCGCTGGGTGCGAC[G>C]CAAGTACAACTTCGACAACCTGGGCCAGGTGGGCTGGGCGGCCGGGCGGGAGCTGGGGGT-3'
Protein context (NP_066921.2, residues 1473-1493): CRAAHYRWVR[Arg1483Pro]KYNFDNLGQA